The following is an entry in ClinVar:

ClinVar aggregate classification (germline): Uncertain significance. Review status: criteria provided, multiple submitters, no conflicts (2 of 4 stars). 2 submissions from 2 submitters: Uncertain significance (2). Last evaluated 2025-09-05.

Conditions:
Brugada syndrome. Also called: Sudden unexpected nocturnal death syndrome; Sudden unexplained nocturnal death syndrome; Sudden Unexplained Death Syndrome; Sudden Unexplained Nocturnal Death Syndrome (SUNDS). Identifiers: Orphanet 130, MedGen C1142166, MONDO:0015263.

Allele frequency attached by ClinVar (database versions not stated): gnomAD 0.00008 and 0.00007; ExAC 0.00005; TOPMed 0.00009; gnomAD exomes 0.00021 and 0.00006.
gnomAD v4.1: 240 of 1,205,677 alleles (0.02%); highest among the groups gnomAD compares: Non-Finnish European, 0.026%; no homozygotes.

Submissions (2):

Ambry Genetics
Classification: Uncertain significance. Last evaluated: 2025-09-05. Review status: criteria provided, single submitter. Criteria: Ambry Variant Classification Scheme 2023. Collection method: clinical testing. Allele origin: germline.

Labcorp Genetics (formerly Invitae), Labcorp
Classification: Uncertain significance for Brugada syndrome. Last evaluated: 2025-08-24. Review status: criteria provided, single submitter. Criteria: Invitae Variant Classification Sherloc (09022015). Collection method: clinical testing. Allele origin: germline.
Comment: This sequence change replaces glutamic acid, which is acidic and polar, with glutamine, which is neutral and polar, at codon 100 of the KCNE5 protein (p.Glu100Gln). This variant is present in population databases (rs775987548, gnomAD 0.01%). This variant has not been reported in the literature in individuals affected with KCNE5-related conditions. ClinVar contains an entry for this variant (Variation ID: 581685). An algorithm developed to predict the effect of missense changes on protein structure and function outputs the following: PolyPhen-2: "Benign". The glutamine amino acid residue is found in multiple mammalian species, which suggests that this missense change does not adversely affect protein function. In summary, the available evidence is currently insufficient to determine the role of this variant in disease. Therefore, it has been classified as a Variant of Uncertain Significance.

NM_012282.4(KCNE5):c.298G>C (p.Glu100Gln)

Gene: KCNE5 (potassium voltage-gated channel subfamily E regulatory subunit 5; minus strand). Cytogenetic location: Xq23.
Variant type: single nucleotide variant.
Coding change: c.298G>C on transcript NM_012282.4 (MANE Select); coding-DNA position 298, G replaced by C.
Protein change: p.Glu100Gln; replaces glutamic acid 100 with glutamine.
Molecular consequence: missense variant.
Genome position (GRCh38, 1-based): chrX:109,624,723, C>G on the plus strand (G>C on the coding strand, the complement: KCNE5 is on the minus strand). VCF-style: chrX-109624723-C-G. GRCh37 (hg19) VCF-style: chrX-108867952-C-G.
Other names: short protein forms E100Q.
Identifiers: ClinVar variation 581685 (VCV000581685.12), dbSNP rs775987548, ClinGen allele CA10490860.